The following is an entry in ClinVar:

ClinVar aggregate classification (germline): Uncertain significance. Review status: criteria provided, multiple submitters, no conflicts (2 of 4 stars). 2 submissions from 2 submitters: Uncertain significance (2). Last evaluated 2019-02-08.

Conditions:
Congenital myasthenic syndrome 8. Also called: MYASTHENIC SYNDROME, CONGENITAL, DUE TO AGRIN DEFICIENCY; Myasthenic syndrome, congenital, 8, with pre- and postsynaptic defects. Identifiers: Orphanet 590, MedGen C3808739, MONDO:0014052, OMIM 615120.

Submissions (2):

Labcorp Genetics (formerly Invitae), Labcorp
Classification: Uncertain significance for Myasthenic syndrome, congenital, 8. Last evaluated: 2019-02-08. Review status: criteria provided, single submitter. Criteria: Invitae Variant Classification Sherloc (09022015). Collection method: clinical testing. Allele origin: germline.
Comment: This sequence change replaces valine with leucine at codon 1374 of the AGRN protein (p.Val1374Leu). The valine residue is weakly conserved and there is a small physicochemical difference between valine and leucine. The frequency data for this variant in the population databases is considered unreliable, as metrics indicate insufficient coverage at this position in the ExAC database. This variant has not been reported in the literature in individuals with AGRN-related conditions. ClinVar contains an entry for this variant (Variation ID: 389927). Algorithms developed to predict the effect of missense changes on protein structure and function output the following: SIFT: "Tolerated"; PolyPhen-2: "Benign"; Align-GVGD: "Class C0". The leucine amino acid residue is found in multiple mammalian species, suggesting that this missense change does not adversely affect protein function. These predictions have not been confirmed by published functional studies and their clinical significance is uncertain. In summary, the available evidence is currently insufficient to determine the role of this variant in disease. Therefore, it has been classified as a Variant of Uncertain Significance.

GeneDx
Classification: Uncertain significance. Last evaluated: 2016-10-13. Review status: criteria provided, single submitter. Criteria: GeneDx Variant Classification (06012015). Collection method: clinical testing. Allele origin: germline. Affected: yes.
Comment: A variant of uncertain significance has been identified in the AGRN gene. The V1374L variant has not been published as a pathogenic variant, nor has it been reported as a benign variant to our knowledge. Although the V1374L variant was not observed in approximately 6,300 individuals of European and African American ancestry in the NHLBI Exome Sequencing Project, the data was noted to have reduced depth of sequencing reads and therefore may be unreliable. The V1374L variant is a conservative amino acid substitution, which is not likely to impact secondary protein structure as these residues share similar properties. This substitution occurs at a position where amino acids with similar properties to Valine are tolerated across species and in silico analysis predicts this variant likely does not alter the protein structure/function. However, based on the currently available information, it is unclear whether this variant is a pathogenic variant or a rare benign variant.

NM_198576.4(AGRN):c.4120G>T (p.Val1374Leu)

Gene: AGRN (agrin; plus strand). Cytogenetic location: 1p36.33.
Variant type: single nucleotide variant.
Coding change: c.4120G>T on transcript NM_198576.4 (MANE Select); coding-DNA position 4120, G replaced by T.
Protein change: p.Val1374Leu; replaces valine 1374 with leucine.
Molecular consequence: missense variant.
Genome position (GRCh38, 1-based): chr1:1,048,881, G>T. VCF-style: chr1-1048881-G-T. GRCh37 (hg19) VCF-style: chr1-984261-G-T.
Other names: c.4120G>T, p.Val1374Leu (NM_001305275.2); c.3805G>T, p.Val1269Leu (NM_001364727.2); short protein forms V1374L, V1269L.
Identifiers: ClinVar variation 389927 (VCV000389927.3), dbSNP rs1057523585, ClinGen allele CA16603378.